The following is an entry in ClinVar:

ClinVar aggregate classification (germline): Uncertain significance (1 of 4 stars; one submission).

Conditions:
Intellectual disability. Also called: Intellectual functioning disability; intellectual disabilities; Intellectual developmental disorder. Identifiers: MedGen C3714756, MeSH D008607, MONDO:0001071, HP:0001249.

gnomAD v4.1: 5 of 1,556,540 alleles (0.00032%); highest among the groups gnomAD compares: Non-Finnish European, 0.00027%; no homozygotes.

Submission:

First Genomix Gene Laboratory, Genetic Diagnostics Department
Classification: Uncertain significance for Intellectual Disability. Last evaluated: 2025-07-24. Review status: criteria provided, single submitter. Criteria: ACMG Guidelines, 2015. Collection method: clinical testing. Allele origin: germline. Inheritance: Autosomal recessive inheritance. Affected: yes. Observed: 4 variant alleles, 2 heterozygotes, 2 homozygotes.
Comment: This variant was identified by First Genomix in a homozygous state in two siblings with cognitive problems. Segregation analysis performed on the parents confirmed that they are heterozygous for the variant. In the literature, this variant has been identified in a homozygous state in three siblings affected with mild intellectual disability with hearing loss and strabismus (PMID: 21937992).

Literature cited by the submitters: PubMed 21937992.

NM_023037.3(FRY):c.3589C>T (p.Arg1197Ter)

Gene: FRY (FRY microtubule binding protein; plus strand). Cytogenetic location: 13q13.1.
Variant type: single nucleotide variant.
Coding change: c.3589C>T on transcript NM_023037.3 (MANE Select); coding-DNA position 3589, C replaced by T.
Protein change: p.Arg1197Ter; replaces arginine 1197 with a stop codon.
Molecular consequence: nonsense.
Genome position (GRCh38, 1-based): chr13:32,187,654, C>T. VCF-style: chr13-32187654-C-T. GRCh37 (hg19) VCF-style: chr13-32761791-C-T.
Other names: c.3589C>T, p.Arg1197Ter (NM_001411012.1); short protein forms R1197*.
Identifiers: ClinVar variation 4849396 (VCV004849396.1).
Genomic context (GRCh38, chr13:32,187,654, plus strand): 5'-CTTTCCCCAGATGGCTACCTATATAAATGGCTTGACAACATTCTGGCTTGTCAAGATTTA[C>T]GAGTAAGTATAGGCAAAAATACATTGTTTTTGAATGTCTTCTGTGTTCTGCCTCAGTTGA-3'